The following is an entry in ClinVar:

NM_022081.6(HPS4):c.860G>C (p.Gly287Ala)

Gene: HPS4 (HPS4 biogenesis of lysosomal organelles complex 3 subunit 2; minus strand). Cytogenetic location: 22q12.1.
Variant type: single nucleotide variant.
Coding change: c.860G>C on transcript NM_022081.6 (MANE Select); coding-DNA position 860, G replaced by C.
Protein change: p.Gly287Ala; replaces glycine 287 with alanine.
Molecular consequence: missense variant. On other transcripts: non-coding transcript variant (8).
Genome position (GRCh38, 1-based): chr22:26,464,770, C>G on the plus strand (G>C on the coding strand, the complement: HPS4 is on the minus strand). VCF-style: chr22-26464770-C-G. GRCh37 (hg19) VCF-style: chr22-26860736-C-G.
Other names: c.860G>C, p.Gly287Ala (NM_001349896.1, NM_001349898.2, NM_001349899.2 and 4 more transcripts); c.914G>C, p.Gly305Ala (NM_001349900.2, NM_001349901.1); c.845G>C, p.Gly282Ala (NM_152841.2); short protein forms G287A, G305A, G282A.
Identifiers: ClinVar variation 741690 (VCV000741690.11), dbSNP rs571151621, ClinGen allele CA10163457.

ClinVar aggregate classification (germline): Conflicting classifications of pathogenicity. Review status: criteria provided, conflicting classifications (1 of 4 stars). 3 submissions from 3 submitters: Uncertain significance (1); Likely benign (2). Last evaluated 2026-08-22.

Conditions:
HPS4-related disorder. Also called: HPS4-related condition.

Allele frequency attached by ClinVar (database versions not stated): gnomAD below 0.00001 and 0.00005; gnomAD exomes 0.00018 and 0.00030; 1000 Genomes Project 30x 0.00031; 1000 Genomes Project 0.00040; ExAC 0.00026.

Submissions (3):

PreventionGenetics, part of Exact Sciences
Classification: Likely benign for HPS4-related condition. Last evaluated: 2026-08-22. Review status: criteria provided, single submitter. Criteria: ACMG Guidelines, 2015. Collection method: clinical testing. Allele origin: germline.
Comment: This variant is classified as likely benign based on ACMG/AMP sequence variant interpretation guidelines (Richards et al. 2015 PMID: 25741868, with internal and published modifications).

Labcorp Genetics (formerly Invitae), Labcorp
Classification: Likely benign. Last evaluated: 2026-01-28. Review status: criteria provided, single submitter. Criteria: Invitae Variant Classification Sherloc (09022015). Collection method: clinical testing. Allele origin: germline.

GeneDx
Classification: Uncertain significance. Last evaluated: 2023-05-02. Review status: criteria provided, single submitter. Criteria: GeneDx Variant Classification Process June 2021. Collection method: clinical testing. Allele origin: germline. Affected: yes.
Comment: In silico analysis supports that this missense variant does not alter protein structure/function; Has not been previously published as pathogenic or benign to our knowledge